The following is an entry in ClinVar:

NM_001004463.2(OR10G7):c.603T>C (p.Asn201=)

Gene: OR10G7 (olfactory receptor family 10 subfamily G member 7; minus strand). Cytogenetic location: 11q24.2.
Variant type: single nucleotide variant.
Coding change: c.603T>C on transcript NM_001004463.2 (MANE Select); coding-DNA position 603, T replaced by C.
Protein change: p.Asn201=; no amino-acid change (asparagine 201 retained).
Molecular consequence: synonymous variant.
Genome position (GRCh38, 1-based): chr11:124,038,399, A>G on the plus strand (T>C on the coding strand, the complement: OR10G7 is on the minus strand). VCF-style: chr11-124038399-A-G. GRCh37 (hg19) VCF-style: chr11-123909106-A-G.
Identifiers: ClinVar variation 2642491 (VCV002642491.24), dbSNP rs747457854, ClinGen allele CA6337107.

ClinVar aggregate classification (germline): Likely benign (1 of 4 stars; one submission).

Allele frequency attached by ClinVar (database versions not stated): gnomAD exomes 0.00022; ExAC 0.00033; 1000 Genomes Project 30x 0.00047; gnomAD 0.00085.
gnomAD v4.1: 458 of 1,613,800 alleles (0.028%); highest among the groups gnomAD compares: African/African-American, 0.22%; 3 homozygotes.

Submission:

CeGaT Center for Human Genetics Tuebingen
Classification: Likely benign. Last evaluated: 2023-07-01. Review status: criteria provided, single submitter. Criteria: CeGaT Center For Human Genetics Tuebingen Variant Classification Criteria Version 2. Collection method: clinical testing. Allele origin: germline. Affected: yes. Observed: 1 variant allele.
Comment: OR10G7: BP4, BP7